The following is an entry in ClinVar:

ClinVar aggregate classification (germline): Uncertain significance. Review status: criteria provided, multiple submitters, no conflicts (2 of 4 stars). 3 submissions from 3 submitters: Uncertain significance (3). Last evaluated 2025-01-13.

Conditions:
Inborn genetic diseases. Identifiers: MedGen C0950123, MeSH D030342.
Jeune thoracic dystrophy. Also called: Jeune syndrome; Infantile thoracic dystrophy; Thoracic pelvic phalangeal dystrophy; Jeune's syndrome; Chondroectodermal dysplasia-like syndrome; Short-rib thoracic dysplasia. Identifiers: Orphanet 474, MedGen C0265275, MONDO:0018770.

Allele frequency attached by ClinVar (database versions not stated): gnomAD exomes 0.00001 and 0.00004; ExAC 0.00003; gnomAD 0.00007 and 0.00008; TOPMed 0.00015; 1000 Genomes Project 30x 0.00016; 1000 Genomes Project 0.00020; ESP Exome Variant Server 0.00031.
gnomAD v4.1: 20 of 1,613,772 alleles (0.0012%); highest among the groups gnomAD compares: African/African-American, 0.016%; no homozygotes.

Submissions (3):

Labcorp Genetics (formerly Invitae), Labcorp
Classification: Uncertain significance for Jeune thoracic dystrophy. Last evaluated: 2025-01-13. Review status: criteria provided, single submitter. Criteria: Invitae Variant Classification Sherloc (09022015). Collection method: clinical testing. Allele origin: germline.
Comment: This sequence change replaces tryptophan, which is neutral and slightly polar, with cysteine, which is neutral and slightly polar, at codon 64 of the IFT80 protein (p.Trp64Cys). This variant is present in population databases (rs151263345, gnomAD 0.03%). This variant has not been reported in the literature in individuals affected with IFT80-related conditions. ClinVar contains an entry for this variant (Variation ID: 1046002). Invitae Evidence Modeling of protein sequence and biophysical properties (such as structural, functional, and spatial information, amino acid conservation, physicochemical variation, residue mobility, and thermodynamic stability) has been performed for this missense variant. However, the output from this modeling did not meet the statistical confidence thresholds required to predict the impact of this variant on IFT80 protein function. In summary, the available evidence is currently insufficient to determine the role of this variant in disease. Therefore, it has been classified as a Variant of Uncertain Significance.

Ambry Genetics
Classification: Uncertain significance for Inborn genetic diseases. Last evaluated: 2024-04-24. Review status: criteria provided, single submitter. Criteria: Ambry Variant Classification Scheme 2023. Collection method: clinical testing. Allele origin: germline.

GeneDx
Classification: Uncertain significance. Last evaluated: 2022-07-03. Review status: criteria provided, single submitter. Criteria: GeneDx Variant Classification Process June 2021. Collection method: clinical testing. Allele origin: germline. Affected: yes.
Comment: In silico analysis supports that this missense variant has a deleterious effect on protein structure/function; Has not been previously published as pathogenic or benign to our knowledge

NM_020800.3(IFT80):c.192G>T (p.Trp64Cys)

Genes: TRIM59-IFT80 (TRIM59-IFT80 readthrough (NMD candidate); minus strand), IFT80 (intraflagellar transport 80; minus strand). Cytogenetic location: 3q25.33.
Variant type: single nucleotide variant.
Coding change: c.192G>T on transcript NM_020800.3 (MANE Select); coding-DNA position 192, G replaced by T.
Protein change: p.Trp64Cys; replaces tryptophan 64 with cysteine.
Molecular consequence: missense variant. On other transcripts: non-coding transcript variant (2), 5 prime UTR variant (2).
Genome position (GRCh38, 1-based): chr3:160,381,570, C>A on the plus strand (G>T on the coding strand, the complement: IFT80 is on the minus strand). VCF-style: chr3-160381570-C-A. GRCh37 (hg19) VCF-style: chr3-160099358-C-A.
Other names: c.-220G>T (NM_001190241.2, NM_001190242.2); short protein forms W64C.
Identifiers: ClinVar variation 1046002 (VCV001046002.11), dbSNP rs151263345, ClinGen allele CA2685565.